The following is an entry in ClinVar:

ClinVar aggregate classification (germline): Likely benign (1 of 4 stars; one submission).

Allele frequency attached by ClinVar (database versions not stated): 1000 Genomes Project 30x 0.00859; ExAC 0.00004.

Submission:

CeGaT Center for Human Genetics Tuebingen
Classification: Likely benign. Last evaluated: 2023-07-01. Review status: criteria provided, single submitter. Criteria: CeGaT Center For Human Genetics Tuebingen Variant Classification Criteria Version 2. Collection method: clinical testing. Allele origin: germline. Affected: yes. Observed: 4 variant alleles.
Comment: MUC5B: BP4, BP7

NM_002458.3(MUC5B):c.12657T>C (p.Arg4219=)

Genes: MUC5B (mucin 5B, oligomeric mucus/gel-forming; plus strand), MUC5B-AS1 (MUC5B antisense RNA 1; minus strand). Cytogenetic location: 11p15.5.
Variant type: single nucleotide variant.
Coding change: c.12657T>C on transcript NM_002458.3 (MANE Select); coding-DNA position 12657, T replaced by C.
Protein change: p.Arg4219=; no amino-acid change (arginine 4219 retained).
Molecular consequence: synonymous variant.
Genome position (GRCh38, 1-based): chr11:1,249,537, T>C. VCF-style: chr11-1249537-T-C. GRCh37 (hg19) VCF-style: chr11-1270767-T-C.
Identifiers: ClinVar variation 2641287 (VCV002641287.24), dbSNP rs770814379, ClinGen allele CA5808047.